The following is an entry in ClinVar:

NM_006129.5(BMP1):c.*223C>T

Gene: BMP1 (bone morphogenetic protein 1; plus strand). Cytogenetic location: 8p21.3.
Variant type: single nucleotide variant.
Coding change: c.*223C>T on transcript NM_006129.5 (MANE Select); 223 bases downstream of the stop codon, C replaced by T.
Molecular consequence: 3 prime UTR variant. On other transcripts: non-coding transcript variant (1).
Genome position (GRCh38, 1-based): chr8:22,211,951, C>T. VCF-style: chr8-22211951-C-T. GRCh37 (hg19) VCF-style: chr8-22069464-C-T.
Identifiers: ClinVar variation 911650 (VCV000911650.5), dbSNP rs79496486, ClinGen allele CA173476232.

ClinVar aggregate classification (germline): Likely benign. Review status: criteria provided, multiple submitters, no conflicts (2 of 4 stars). 2 submissions from 2 submitters: Likely benign (2). Last evaluated 2018-10-26.

Conditions:
Osteogenesis imperfecta type 13. Also called: Osteogenesis imperfecta, type xiii; OI, TYPE XIII. Identifiers: Orphanet 666, MedGen C3553887, MONDO:0013924, OMIM 614856.

Allele frequency attached by ClinVar (database versions not stated): gnomAD exomes 0.00039; 1000 Genomes Project 30x 0.00344; 1000 Genomes Project 0.00359; gnomAD 0.00370 and 0.00402; TOPMed 0.00411.
gnomAD v4.1: 766 of 624,574 alleles (0.12%); highest among the groups gnomAD compares: African/African-American, 1.2%; 6 homozygotes.

Submissions (2):

GeneDx
Classification: Likely benign. Last evaluated: 2018-10-26. Review status: criteria provided, single submitter. Criteria: GeneDx Variant Classification Process June 2021. Collection method: clinical testing. Allele origin: germline. Affected: yes.

Illumina Laboratory Services, Illumina
Classification: Likely benign for Osteogenesis imperfecta type 13. Last evaluated: 2018-01-12. Review status: criteria provided, single submitter. Criteria: ICSL Variant Classification Criteria 13 December 2019. Collection method: clinical testing. Allele origin: germline.
Comment: This variant was observed in the ICSL laboratory as part of a predisposition screen in an ostensibly healthy population. It had not been previously curated by ICSL or reported in the Human Gene Mutation Database (HGMD: prior to June 1st, 2018), and was therefore a candidate for classification through an automated scoring system. Utilizing variant allele frequency, disease prevalence and penetrance estimates, and inheritance mode, an automated score was calculated to assess if this variant is too frequent to cause the disease. Based on the score and internal cut-off values, a variant classified as likely benign is not then subjected to further curation. The score for this variant resulted in a classification of likely benign for this disease.